The following is an entry in ClinVar:

ClinVar aggregate classification (germline): Pathogenic (3 of 4 stars; one submission).

Conditions:
Very long chain acyl-CoA dehydrogenase deficiency (ACADVLD). Also called: Very Long-Chain Acyl-Coenzyme A Dehydrogenase Deficiency; VLCAD Deficiency. Identifiers: Orphanet 26793, MedGen C3887523, MONDO:0008723, OMIM 201475.

Submission:

ClinGen ACADVL Variant Curation Expert Panel, ClinGen
Classification: Pathogenic for Very long chain acyl-CoA dehydrogenase deficiency. Last evaluated: 2022-12-14. Review status: reviewed by expert panel. Criteria: clingen acadvl acmg specifications v1. Collection method: curation. Allele origin: germline. Inheritance: Autosomal recessive inheritance.
Comment: The c.1606-3_1606-2del variant in ACADVL is a variant that causes a deletion in the canonical splice acceptor site of intron 17. RNA studies in patient cells carrying this variant show that this variant causes use of a cryptic acceptor and deletion of 4 nucleotides of the transcript (P3_Supporting; PMID: 11914034). This is predicted to result in a frameshift leading to nonsense mediated decay in a gene in which loss-of-function is an established disease mechanism (PVS1; PMIDs: 9973285, 11590124). This variant has been reported in trans to a pathogenic variant in an affected individual (PM3; PMID: 11914034). In cells derived from this individual, VLCAD enzyme activity was less than 20% of controls, which is highly specific for very long chain acyl-CoA dehydrogenase (VLCAD) deficiency (PP4_Moderate). This variant is absent from gnomAD v2.1.1 (PM2_Supporting). In summary, this variant meets the criteria to be classified as pathogenic for autosomal recessive VLCAD deficiency based on the ACMG/AMP criteria applied, as specified by the ClinGen ACADVL Variant Curation Expert Panel: PVS1, PM3, PP4_Moderate, PM2_Supporting, PS3_Supporting (ACADVL VCEP specifications version 1; approved November 8, 2021).

NM_000018.4(ACADVL):c.1606-3_1606-2del

Gene: ACADVL (acyl-CoA dehydrogenase very long chain; plus strand). Cytogenetic location: 17p13.1.
Variant type: Deletion.
Coding change: c.1606-3_1606-2del on transcript NM_000018.4 (MANE Select); 3 bases into the intron before coding-DNA position 1606 through the canonical splice acceptor site of the intron before coding-DNA position 1606, 2 bases deleted (AA; older notation c.1606-3_1606-2delAA).
Molecular consequence: splice acceptor variant.
Genome position (GRCh38, 1-based): chr17:7,224,477-7,224,478, AA deleted. VCF-style (leftmost placement, unchanged base first): chr17-7224476-TAA-T. GRCh37 (hg19) VCF-style: chr17-7127795-TAA-T.
Other names: NM_001270448.2:c.1378-3_1378-2del; c.1675-3_1675-2del (NM_001270447.2); c.1378-3_1378-2del (NM_001270448.2); c.1540-3_1540-2del (NM_001033859.3).
Identifiers: ClinVar variation 1806485 (VCV001806485.2), dbSNP rs2508360592, ClinGen allele CA916084367.